The following continues an entry in ClinVar:

NM_020297.4(ABCC9):c.3460C>T (p.Arg1154Trp)

Gene: ABCC9. ClinVar aggregate classification (germline): Pathogenic/Likely pathogenic. Pathogenic (12); Likely pathogenic (2).

Submissions 12 to 17 of 17:

Scripps Translational Science Institute, Scripps Health and The Scripps Research Institute
Classification: Pathogenic for Hypertrichotic osteochondrodysplasia. Last evaluated: 2015-12-15. Review status: criteria provided, single submitter. Criteria: STSI_classification_crtieria_for_IDIOM. Collection method: research. Allele origin: de novo. Affected: yes. Observed: 1 variant allele. Study: IDIOM.

Rady Children's Institute for Genomic Medicine, Rady Children's Hospital San Diego
Classification: Pathogenic for ABCC9-related disorders. Review status: criteria provided, single submitter. Criteria: ACMG Guidelines, 2015. Collection method: clinical testing. Allele origin: germline. Affected: yes.
Comment: This variant has been previously reported as a heterozygous change in patients with Cantu syndrome (PMID: 22608503, 22610116, 25790160, 26871653, 26656175, 28690487, 31828977, 32065455, 34453476). The c.3460C>T (p.Arg1154Trp) variant is located in a mutational hotspot for pathogenic variations associated with Cantu syndrome (PMID: 22608503). Different amino acid changes at the same residue (p.R1154G and p.R1154Q) have been previously reported in individuals with Cantu syndrome (PMID: 31828977, 32065455, 32371413, 32622958, 23307537). Experimental studies showed that this change caused abnormal potassium channel function (PMID: 22610116). The c.3460C>T (p.Arg1154Trp) variant is absent from the gnomAD population database and thus is presumed to be rare. The c.3460C>T (p.Arg1154Trp) variant affects a moderately conserved amino acid and is predicted by multiple in silico tools to have a deleterious effect on protein function. Based on the available evidence, the c.3460C>T (p.Arg1154Trp) variant is classified as Pathogenic.

Suma Genomics
Classification: Likely pathogenic for Hypertrichotic osteochondrodysplasia Cantu type. Review status: criteria provided, single submitter. Criteria: ACMG Guidelines, 2015. Collection method: clinical testing. Allele origin: unknown. Inheritance: Autosomal dominant inheritance. Affected: yes.

OMIM
Classification: Pathogenic for HYPERTRICHOTIC OSTEOCHONDRODYSPLASIA. Last evaluated: 2012-06-08. Review status: no assertion criteria provided. Collection method: literature only. Allele origin: germline. Not counted in ClinVar's aggregate classification.

Genome Diagnostics Laboratory, University Medical Center Utrecht
Classification: Pathogenic. Review status: no assertion criteria provided. Collection method: clinical testing. Allele origin: germline. Affected: yes. Study: VKGL Data-share Consensus. Not counted in ClinVar's aggregate classification.

Joint Genome Diagnostic Labs from Nijmegen and Maastricht, Radboudumc and MUMC+
Classification: Pathogenic. Review status: no assertion criteria provided. Collection method: clinical testing. Allele origin: germline. Affected: yes. Study: VKGL Data-share Consensus. Not counted in ClinVar's aggregate classification.

Literature cited by the submitters: PubMed 31828977 (cited by 3billion); PubMed 22608503 (cited by 4 submitters); PubMed 22610116 (cited by 3 submitters); PubMed 23307537 (cited by Labcorp Genetics (formerly Invitae), Labcorp); PubMed 25790160 (cited by Labcorp Genetics (formerly Invitae), Labcorp); PubMed 26656175 (cited by Labcorp Genetics (formerly Invitae), Labcorp); PubMed 26871653 (cited by Labcorp Genetics (formerly Invitae), Labcorp and Illumina Laboratory Services, Illumina).